The following is an entry in ClinVar:

ClinVar aggregate classification (germline): Benign/Likely benign. Review status: criteria provided, multiple submitters, no conflicts (2 of 4 stars). 4 submissions from 4 submitters: Benign (2); Likely benign (1). 1 of the submissions does not count toward it. Last evaluated 2026-01-28.

Conditions:
VPS33A-related disorder. Also called: VPS33A-related condition.

Allele frequency attached by ClinVar (database versions not stated): gnomAD exomes 0.00145; ExAC 0.00180; ESP Exome Variant Server 0.00492; 1000 Genomes Project 0.00519; gnomAD 0.00529 and 0.00572; TOPMed 0.00552; 1000 Genomes Project 30x 0.00562.
gnomAD v4.1: 1,705 of 1,609,158 alleles (0.11%); highest among the groups gnomAD compares: African/African-American, 1.8%; 16 homozygotes.

Submissions (4):

Labcorp Genetics (formerly Invitae), Labcorp
Classification: Benign. Last evaluated: 2026-01-28. Review status: criteria provided, single submitter. Criteria: Invitae Variant Classification Sherloc (09022015). Collection method: clinical testing. Allele origin: germline.

Mayo Clinic Laboratories, Mayo Clinic
Classification: Benign. Last evaluated: 2021-12-15. Review status: criteria provided, single submitter. Criteria: ACMG Guidelines, 2015. Collection method: clinical testing. Allele origin: germline. Observed: 5 variant alleles.
Comment: BS1, BS2, BP4

GeneDx
Classification: Likely benign. Last evaluated: 2019-06-27. Review status: criteria provided, single submitter. Criteria: GeneDx Variant Classification Process June 2021. Collection method: clinical testing. Allele origin: germline. Affected: yes.
Comment: See Variant Classification Assertion Criteria.

PreventionGenetics, part of Exact Sciences
Classification: Benign for VPS33A-related condition. Last evaluated: 2019-05-28. Review status: no assertion criteria provided. Collection method: clinical testing. Allele origin: germline. Not counted in ClinVar's aggregate classification.
Comment: This variant is classified as benign based on ACMG/AMP sequence variant interpretation guidelines (Richards et al. 2015 PMID: 25741868, with internal and published modifications).

NM_022916.6(VPS33A):c.102+10G>A

Gene: VPS33A (VPS33A core subunit of CORVET and HOPS complexes; minus strand). Cytogenetic location: 12q24.31.
Variant type: single nucleotide variant.
Coding change: c.102+10G>A on transcript NM_022916.6 (MANE Select); 10 bases into the intron after coding-DNA position 102, G replaced by A.
Molecular consequence: intron variant. On other transcripts: 5 prime UTR variant (2).
Genome position (GRCh38, 1-based): chr12:122,266,297, C>T on the plus strand (G>A on the coding strand, the complement: VPS33A is on the minus strand). VCF-style: chr12-122266297-C-T. GRCh37 (hg19) VCF-style: chr12-122750844-C-T.
Other names: p.?; c.-152G>A (NM_001351018.2); c.-249G>A (NM_001351019.2); c.102+10G>A (NM_001351020.2, NM_001351021.2).
Identifiers: ClinVar variation 787936 (VCV000787936.15), dbSNP rs146490592, ClinGen allele CA6844740.
Genomic context (GRCh38, chr12:122,266,297, plus strand): 5'-GTCAGGGAACGGATTAAACCAGGCCGGACCAGGGGAGGCGAGGGCGGTGTCGCTGCCTCC[C>T]GCCCCTCACCTTGCTTCCTGCGCACTTGTCCAGGAACTCGCGCAGCTCGCGACGCACCGC-3'